The following is an entry in ClinVar:

NM_006514.4(SCN10A):c.3559G>C (p.Glu1187Gln)

Gene: SCN10A (sodium voltage-gated channel alpha subunit 10; minus strand). Cytogenetic location: 3p22.2.
Variant type: single nucleotide variant.
Coding change: c.3559G>C on transcript NM_006514.4 (MANE Select); coding-DNA position 3559, G replaced by C.
Protein change: p.Glu1187Gln; replaces glutamic acid 1187 with glutamine.
Molecular consequence: missense variant.
Genome position (GRCh38, 1-based): chr3:38,718,775, C>G on the plus strand (G>C on the coding strand, the complement: SCN10A is on the minus strand). VCF-style: chr3-38718775-C-G. GRCh37 (hg19) VCF-style: chr3-38760266-C-G.
Other names: c.3556G>C, p.Glu1186Gln (NM_001293306.2); c.3265G>C, p.Glu1089Gln (NM_001293307.2); short protein forms E1186Q, E1187Q, E1089Q.
Identifiers: ClinVar variation 4742159 (VCV004742159.1).

ClinVar aggregate classification (germline): Uncertain significance (1 of 4 stars; one submission).

Conditions:
Brugada syndrome. Also called: Sudden unexpected nocturnal death syndrome; Sudden unexplained nocturnal death syndrome; Sudden Unexplained Death Syndrome; Sudden Unexplained Nocturnal Death Syndrome (SUNDS). Identifiers: Orphanet 130, MedGen C1142166, MONDO:0015263.

Submission:

Labcorp Genetics (formerly Invitae), Labcorp
Classification: Uncertain significance for Brugada syndrome. Last evaluated: 2025-12-27. Review status: criteria provided, single submitter. Criteria: Invitae Variant Classification Sherloc (09022015). Collection method: clinical testing. Allele origin: germline.
Comment: This sequence change replaces glutamic acid, which is acidic and polar, with glutamine, which is neutral and polar, at codon 1187 of the SCN10A protein (p.Glu1187Gln). This variant is not present in population databases (gnomAD no frequency). This variant has not been reported in the literature in individuals affected with SCN10A-related conditions. Invitae Evidence Modeling of protein sequence and biophysical properties (such as structural, functional, and spatial information, amino acid conservation, physicochemical variation, residue mobility, and thermodynamic stability) indicates that this missense variant is not expected to disrupt SCN10A protein function with a negative predictive value of 80%. In summary, the available evidence is currently insufficient to determine the role of this variant in disease. Therefore, it has been classified as a Variant of Uncertain Significance.